The following is an entry in ClinVar:

ClinVar aggregate classification (germline): Pathogenic (1 of 4 stars; one submission).

Allele frequency attached by ClinVar (database versions not stated): gnomAD exomes below 0.00001.

Submission:

Labcorp Genetics (formerly Invitae), Labcorp
Classification: Pathogenic. Last evaluated: 2022-03-27. Review status: criteria provided, single submitter. Criteria: Invitae Variant Classification Sherloc (09022015). Collection method: clinical testing. Allele origin: germline.
Comment: For these reasons, this variant has been classified as Pathogenic. Algorithms developed to predict the effect of sequence changes on RNA splicing suggest that this variant may disrupt the consensus splice site. This variant has not been reported in the literature in individuals affected with PDE6C-related conditions. This variant is not present in population databases (gnomAD no frequency). This sequence change creates a premature translational stop signal (p.Gln241*) in the PDE6C gene. It is expected to result in an absent or disrupted protein product. Loss-of-function variants in PDE6C are known to be pathogenic (PMID: 19887631, 23776498, 26103963, 30080950).

Literature cited by the submitters: PubMed 19887631; PubMed 23776498; PubMed 26103963; PubMed 30080950.

NM_006204.4(PDE6C):c.721C>T (p.Gln241Ter)

Gene: PDE6C (phosphodiesterase 6C; plus strand). Cytogenetic location: 10q23.33.
Variant type: single nucleotide variant.
Coding change: c.721C>T on transcript NM_006204.4 (MANE Select); coding-DNA position 721, C replaced by T.
Protein change: p.Gln241Ter; replaces glutamine 241 with a stop codon.
Molecular consequence: nonsense.
Genome position (GRCh38, 1-based): chr10:93,620,978, C>T. VCF-style: chr10-93620978-C-T. GRCh37 (hg19) VCF-style: chr10-95380735-C-T.
Other names: short protein forms Q241*.
Identifiers: ClinVar variation 2095572 (VCV002095572.4), dbSNP rs2492504772, ClinGen allele CA377627782.
Genomic context (GRCh38, chr10:93,620,978, plus strand): 5'-TCTATCATCCTAAGGCTTCATCACACCAGCTACATGTACAATATTGAATCCCGAAGAAGC[C>T]AGGTAAAAGGAAGGCAGCATTAGTCATTCCATGCTGACCTATTCTGACAAAGCCGCCCAG-3'